The following is an entry in ClinVar:

NM_032444.4(SLX4):c.2844G>A (p.Ala948=)

Gene: SLX4 (SLX4 structure-specific endonuclease subunit; minus strand). Cytogenetic location: 16p13.3.
Variant type: single nucleotide variant.
Coding change: c.2844G>A on transcript NM_032444.4 (MANE Select); coding-DNA position 2844, G replaced by A.
Protein change: p.Ala948=; no amino-acid change (alanine 948 retained).
Molecular consequence: synonymous variant.
Genome position (GRCh38, 1-based): chr16:3,590,794, C>T on the plus strand (G>A on the coding strand, the complement: SLX4 is on the minus strand). VCF-style: chr16-3590794-C-T. GRCh37 (hg19) VCF-style: chr16-3640795-C-T.
Other names: c.2844G>A (LRG_503t1).
Identifiers: ClinVar variation 262043 (VCV000262043.26), dbSNP rs376877866, ClinGen allele CA7866055.

ClinVar aggregate classification (germline): Benign/Likely benign. Review status: criteria provided, multiple submitters, no conflicts (2 of 4 stars). 7 submissions from 7 submitters: Benign (1); Likely benign (6). Last evaluated 2026-08-01.

Conditions:
Fanconi anemia complementation group P. Also called: SLX4-Related Fanconi Anemia. Identifiers: Orphanet 84, MedGen C3469542, MONDO:0013499, OMIM 613951.
Fanconi anemia (FA). Also called: Fanconi's anemia. Identifiers: Orphanet 84, MedGen C0015625, MeSH D005199, MONDO:0019391.

Allele frequency attached by ClinVar (database versions not stated): gnomAD exomes 0.00023 and 0.00090; ESP Exome Variant Server 0.00031; gnomAD 0.00052 and 0.00053; ExAC 0.00055; TOPMed 0.00074; 1000 Genomes Project 30x 0.00078; 1000 Genomes Project 0.00080.
gnomAD v4.1: 431 of 1,614,012 alleles (0.027%); highest among the groups gnomAD compares: Admixed American, 0.55%; no homozygotes.

Submissions (7):

CeGaT Center for Human Genetics Tuebingen
Classification: Likely benign. Last evaluated: 2026-08-01. Review status: criteria provided, single submitter. Criteria: CeGaT Center For Human Genetics Tuebingen Variant Classification Criteria Version 2. Collection method: clinical testing. Allele origin: germline. Affected: yes. Observed: 6 variant alleles.
Comment: SLX4: BP4, BP7

Labcorp Genetics (formerly Invitae), Labcorp
Classification: Benign for Fanconi anemia. Last evaluated: 2026-02-01. Review status: criteria provided, single submitter. Criteria: Invitae Variant Classification Sherloc (09022015). Collection method: clinical testing. Allele origin: germline.

Blueprint Genetics
Classification: Likely benign. Last evaluated: 2024-09-26. Review status: criteria provided, single submitter. Criteria: ACMG Guidelines, 2015. Collection method: clinical testing. Allele origin: germline.

Sema4
Classification: Likely benign for Fanconi anemia. Last evaluated: 2022-02-26. Review status: criteria provided, single submitter. Criteria: Sema4 Curation Guidelines. Collection method: curation. Allele origin: germline.

Illumina Laboratory Services, Illumina
Classification: Likely benign for Fanconi anemia complementation group P. Last evaluated: 2018-01-13. Review status: criteria provided, single submitter. Criteria: ICSL Variant Classification Criteria 13 December 2019. Collection method: clinical testing. Allele origin: germline.
Comment: This variant was observed in the ICSL laboratory as part of a predisposition screen in an ostensibly healthy population. It had not been previously curated by ICSL or reported in the Human Gene Mutation Database (HGMD: prior to June 1st, 2018), and was therefore a candidate for classification through an automated scoring system. Utilizing variant allele frequency, disease prevalence and penetrance estimates, and inheritance mode, an automated score was calculated to assess if this variant is too frequent to cause the disease. Based on the score and internal cut-off values, a variant classified as likely benign is not then subjected to further curation. The score for this variant resulted in a classification of likely benign for this disease.

Genetic Services Laboratory, University of Chicago
Classification: Likely benign. Last evaluated: 2017-09-01. Review status: criteria provided, single submitter. Criteria: ACMG Guidelines, 2015. Collection method: clinical testing. Allele origin: germline. Affected: no.

PreventionGenetics, part of Exact Sciences
Classification: Likely benign. Review status: criteria provided, single submitter. Criteria: ACMG Guidelines, 2015. Collection method: clinical testing. Allele origin: germline.